The following is an entry in ClinVar:

ClinVar aggregate classification (germline): Pathogenic. Review status: criteria provided, multiple submitters, no conflicts (2 of 4 stars). 4 submissions from 4 submitters: Pathogenic (2). 2 of the submissions do not count toward it. Last evaluated 2025-02-12.

Conditions:
Cockayne syndrome. Identifiers: Orphanet 191, MedGen C0009207, MONDO:0016006.
Xeroderma pigmentosum, group F (XPF). Also called: XERODERMA PIGMENTOSUM, COMPLEMENTATION GROUP F; XERODERMA PIGMENTOSUM VI; XP, GROUP F; ERCC4-Related Xeroderma Pigmentosum; XERODERMA PIGMENTOSUM, TYPE F; Xeroderma pigmentosum, type 6. Identifiers: MedGen C0268140, MONDO:0010215, OMIM 278760.
Fanconi anemia complementation group Q. Identifiers: Orphanet 84, MedGen C3808988, MONDO:0014108, OMIM 615272.
Precursor B-cell acute lymphoblastic leukemia. Also called: Pre-B-cell acute lymphoblastic leukemia; B Acute Lymphoblastic Leukemia. Identifiers: Orphanet 99860, MedGen C0349636, MONDO:0020511, HP:0004812.

Submissions (4):

Labcorp Genetics (formerly Invitae), Labcorp
Classification: Pathogenic for Fanconi anemia complementation group Q; Xeroderma pigmentosum, group F; Cockayne syndrome. Last evaluated: 2025-02-12. Review status: criteria provided, single submitter. Criteria: Invitae Variant Classification Sherloc (09022015). Collection method: clinical testing. Allele origin: germline.
Comment: This sequence change creates a premature translational stop signal (p.Thr495Asnfs*6) in the ERCC4 gene. It is expected to result in an absent or disrupted protein product. Loss-of-function variants in ERCC4 are known to be pathogenic (PMID: 9580660). This variant is present in population databases (rs768847411, gnomAD 0.005%). This premature translational stop signal has been observed in individual(s) with Fanconi anemia (PMID: 23623386). ClinVar contains an entry for this variant (Variation ID: 55823). For these reasons, this variant has been classified as Pathogenic.

St. Jude Molecular Pathology, St. Jude Children's Research Hospital
Classification: Pathogenic for Pre-B-cell acute lymphoblastic leukemia. Last evaluated: 2018-07-26. Review status: criteria provided, single submitter. Criteria: ACMG Guidelines, 2015. Collection method: clinical testing. Allele origin: germline. Affected: yes.
Comment: This is a frameshift alteration in which coding nucleotides 1484 through 1488 are deleted. This is predicted to change a Threonine to an Asparagine at codon 495, as well as shift the reading frame and result in a premature stop codon 6 amino acids downstream. Classification criteria: PVS1, PS3, PM2, PP1.

Leiden Open Variation Database
Classification: Pathogenic for Fanconi anemia complementation group Q. Last evaluated: 2014-10-03. Review status: no assertion criteria provided. Collection method: curation. Allele origin: germline. Affected: yes. Not counted in ClinVar's aggregate classification.
Comment: Curator: Arleen D. Auerbach. Submitter to LOVD: Arleen D. Auerbach.

OMIM
Classification: Pathogenic for FANCONI ANEMIA, COMPLEMENTATION GROUP Q. Last evaluated: 2013-05-02. Review status: no assertion criteria provided. Collection method: literature only. Allele origin: germline. Not counted in ClinVar's aggregate classification.

Literature cited by the submitters: PubMed 9580660 (cited by Labcorp Genetics (formerly Invitae), Labcorp); PubMed 23623386 (cited by 3 submitters).

NM_005236.3(ERCC4):c.1484_1488del (p.Thr495fs)

Gene: ERCC4 (ERCC excision repair 4, endonuclease catalytic subunit; plus strand). Cytogenetic location: 16p13.12.
Variant type: Deletion.
Coding change: c.1484_1488del on transcript NM_005236.3 (MANE Select); coding-DNA positions 1484 to 1488, 5 bases deleted (CTCAA; older notation c.1484_1488delCTCAA).
Protein change: p.Thr495fs; shifts the reading frame from threonine 495.
Molecular consequence: frameshift variant.
Genome position (GRCh38, 1-based): chr16:13,935,416-13,935,420, CTCAA deleted; deleting any 5 consecutive bases within chr16:13,935,414-13,935,420 gives the same sequence; the c. name uses the placement nearest the transcript's 3' end. VCF-style (leftmost placement, unchanged base first): chr16-13935413-TAACTC-T. GRCh37 (hg19) VCF-style: chr16-14029270-TAACTC-T.
Other names: NM_005236.2:c.1484_1488del; c.1484_1488delCTCAA (NM_005236.2); short protein forms T495fs.
Identifiers: ClinVar variation 55823 (VCV000055823.7), dbSNP rs397509400, ClinGen allele CA143932.